The following is an entry in ClinVar:

ClinVar aggregate classification (germline): Uncertain significance. Review status: criteria provided, multiple submitters, no conflicts (2 of 4 stars). 2 submissions from 2 submitters: Uncertain significance (2). Last evaluated 2025-11-13.

Allele frequency attached by ClinVar (database versions not stated): gnomAD exomes 0.00001; ExAC 0.00002; TOPMed 0.00002; ESP Exome Variant Server 0.00008.
gnomAD v4.1: 17 of 1,614,160 alleles (0.0011%); highest among the groups gnomAD compares: Non-Finnish European, 0.0014%; no homozygotes.

Submissions (2):

Labcorp Genetics (formerly Invitae), Labcorp
Classification: Uncertain significance. Last evaluated: 2025-11-13. Review status: criteria provided, single submitter. Criteria: Invitae Variant Classification Sherloc (09022015). Collection method: clinical testing. Allele origin: germline.
Comment: This sequence change replaces arginine, which is basic and polar, with cysteine, which is neutral and slightly polar, at codon 1203 of the CACNA1D protein (p.Arg1203Cys). This variant is present in population databases (rs373689198, gnomAD 0.002%). This variant has not been reported in the literature in individuals affected with CACNA1D-related conditions. ClinVar contains an entry for this variant (Variation ID: 1363812). Invitae Evidence Modeling of protein sequence and biophysical properties (such as structural, functional, and spatial information, amino acid conservation, physicochemical variation, residue mobility, and thermodynamic stability) indicates that this missense variant is not expected to disrupt CACNA1D protein function with a negative predictive value of 80%. In summary, the available evidence is currently insufficient to determine the role of this variant in disease. Therefore, it has been classified as a Variant of Uncertain Significance.

Blueprint Genetics
Classification: Uncertain significance. Last evaluated: 2022-02-11. Review status: criteria provided, single submitter. Criteria: ACMG Guidelines, 2015. Collection method: clinical testing. Allele origin: germline.

NM_001128840.3(CACNA1D):c.3547C>T (p.Arg1183Cys)

Gene: CACNA1D (calcium voltage-gated channel subunit alpha1 D; plus strand). Cytogenetic location: 3p21.1.
Variant type: single nucleotide variant.
Coding change: c.3547C>T on transcript NM_001128840.3 (MANE Select); coding-DNA position 3547, C replaced by T.
Protein change: p.Arg1183Cys; replaces arginine 1183 with cysteine.
Molecular consequence: missense variant.
Genome position (GRCh38, 1-based): chr3:53,751,779, C>T. VCF-style: chr3-53751779-C-T. GRCh37 (hg19) VCF-style: chr3-53785806-C-T.
Other names: c.3607C>T, p.Arg1203Cys (NM_000720.4); c.3547C>T, p.Arg1183Cys (NM_001128839.3); short protein forms R1203C, R1183C.
Identifiers: ClinVar variation 1363812 (VCV001363812.7), dbSNP rs373689198, ClinGen allele CA2454615.